The following is an entry in ClinVar:

ClinVar aggregate classification (germline): Uncertain significance (1 of 4 stars; one submission).

Submission:

Labcorp Genetics (formerly Invitae), Labcorp
Classification: Uncertain significance. Last evaluated: 2022-02-24. Review status: criteria provided, single submitter. Criteria: Invitae Variant Classification Sherloc (09022015). Collection method: clinical testing. Allele origin: germline.
Comment: In summary, the available evidence is currently insufficient to determine the role of this variant in disease. Therefore, it has been classified as a Variant of Uncertain Significance. Algorithms developed to predict the effect of missense changes on protein structure and function are either unavailable or do not agree on the potential impact of this missense change (SIFT: "Tolerated"; PolyPhen-2: "Possibly Damaging"; Align-GVGD: "Class C0"). ClinVar contains an entry for this variant (Variation ID: 1006111). This variant has not been reported in the literature in individuals affected with ADGRV1-related conditions. This variant is not present in population databases (gnomAD no frequency). This sequence change replaces histidine, which is basic and polar, with tyrosine, which is neutral and polar, at codon 3815 of the ADGRV1 protein (p.His3815Tyr).

NM_032119.4(ADGRV1):c.11443C>T (p.His3815Tyr)

Gene: ADGRV1 (adhesion G protein-coupled receptor V1; plus strand). Cytogenetic location: 5q14.3.
Variant type: single nucleotide variant.
Coding change: c.11443C>T on transcript NM_032119.4 (MANE Select); coding-DNA position 11443, C replaced by T.
Protein change: p.His3815Tyr; replaces histidine 3815 with tyrosine.
Molecular consequence: missense variant. On other transcripts: non-coding transcript variant (1).
Genome position (GRCh38, 1-based): chr5:90,755,048, C>T. VCF-style: chr5-90755048-C-T. GRCh37 (hg19) VCF-style: chr5-90050865-C-T.
Other names: short protein forms H3815Y.
Identifiers: ClinVar variation 1006111 (VCV001006111.10), dbSNP rs1398847549, ClinGen allele CA360366553.